The following is an entry in ClinVar:

NM_001201543.2(FAM161A):c.423-2A>G

Gene: FAM161A (FAM161 centrosomal protein A; minus strand). Cytogenetic location: 2p15.
Variant type: single nucleotide variant.
Coding change: c.423-2A>G on transcript NM_001201543.2 (MANE Select); the canonical splice acceptor site of the intron before coding-DNA position 423, A replaced by G.
Molecular consequence: splice acceptor variant.
Genome position (GRCh38, 1-based): chr2:61,840,583, T>C on the plus strand (A>G on the coding strand, the complement: FAM161A is on the minus strand). VCF-style: chr2-61840583-T-C. GRCh37 (hg19) VCF-style: chr2-62067718-T-C.
Other names: c.423-2A>G (NM_032180.3).
Identifiers: ClinVar variation 4814693 (VCV004814693.1).

ClinVar aggregate classification (germline): Likely pathogenic (1 of 4 stars; one submission).

Conditions:
Retinitis pigmentosa 28 (RP28). Identifiers: Orphanet 791, MedGen C1419614, MONDO:0011630, OMIM 606068.

Submission:

Natera, Inc.
Classification: Likely pathogenic for Retinitis pigmentosa type 28. Last evaluated: 2025-09-23. Review status: criteria provided, single submitter. Criteria: Natera Variant Classification Schema (03/2026). Collection method: clinical testing. Allele origin: germline.
Comment: The c.423-2A>G variant in FAM161A is a canonical splice acceptor site variant predicted to affect pre-mRNA splicing, which may result in an abnormal transcript and altered protein product. This variant is expected to result in nonsense mediated decay, truncation, or a dysfunctional protein product. This variant is rare in the general population with a frequency below the threshold expected for the associated phenotype(s). Given the available evidence, this variant is classified as Likely Pathogenic.